The following is an entry in ClinVar:

NM_052989.3(IFT122):c.394A>G (p.Ser132Gly)

Gene: IFT122 (intraflagellar transport 122; plus strand). Cytogenetic location: 3q21.3.
Variant type: single nucleotide variant.
Coding change: c.394A>G on transcript NM_052989.3 (MANE Select); coding-DNA position 394, A replaced by G.
Protein change: p.Ser132Gly; replaces serine 132 with glycine.
Molecular consequence: missense variant. On other transcripts: 5 prime UTR variant (2).
Genome position (GRCh38, 1-based): chr3:129,463,604, A>G. VCF-style: chr3-129463604-A-G. GRCh37 (hg19) VCF-style: chr3-129182447-A-G.
Other names: c.547A>G, p.Ser183Gly (NM_052985.4, NM_001280541.2); c.238A>G, p.Ser80Gly (NM_052990.3); c.547A>G (NM_052985.2); c.-57A>G (NM_001280545.2, NM_001280546.2); c.394A>G, p.Ser132Gly (NM_018262.4); short protein forms S132G, S80G, S183G.
Identifiers: ClinVar variation 1387312 (VCV001387312.7), dbSNP rs1048830398, ClinGen allele CA82659022.

ClinVar aggregate classification (germline): Uncertain significance. Review status: criteria provided, multiple submitters, no conflicts (2 of 4 stars). 2 submissions from 2 submitters: Uncertain significance (2). Last evaluated 2022-03-23.

Conditions:
Inborn genetic diseases. Identifiers: MedGen C0950123, MeSH D030342.
Cranioectodermal dysplasia 1 (CED1). Also called: LEVIN SYNDROME I. Identifiers: Orphanet 1515, MedGen C0432235, MONDO:0021093, OMIM 218330.

Allele frequency attached by ClinVar (database versions not stated): TOPMed below 0.00001; gnomAD exomes 0.00001 and 0.00002.
gnomAD v4.1: 5 of 1,613,950 alleles (0.00031%); highest among the groups gnomAD compares: Admixed American, 0.0083%; no homozygotes.

Submissions (2):

Ambry Genetics
Classification: Uncertain significance for Inborn genetic diseases. Last evaluated: 2022-03-23. Review status: criteria provided, single submitter. Criteria: Ambry Variant Classification Scheme 2023. Collection method: clinical testing. Allele origin: germline.

Labcorp Genetics (formerly Invitae), Labcorp
Classification: Uncertain significance for Cranioectodermal dysplasia 1. Last evaluated: 2021-11-16. Review status: criteria provided, single submitter. Criteria: Invitae Variant Classification Sherloc (09022015). Collection method: clinical testing. Allele origin: germline.
Comment: This variant is present in population databases (no rsID available, gnomAD 0.01%). In summary, the available evidence is currently insufficient to determine the role of this variant in disease. Therefore, it has been classified as a Variant of Uncertain Significance. Algorithms developed to predict the effect of sequence changes on RNA splicing suggest that this variant may create or strengthen a splice site. Algorithms developed to predict the effect of missense changes on protein structure and function (SIFT, PolyPhen-2, Align-GVGD) all suggest that this variant is likely to be tolerated. This variant has not been reported in the literature in individuals affected with IFT122-related conditions. This sequence change replaces serine, which is neutral and polar, with glycine, which is neutral and non-polar, at codon 183 of the IFT122 protein (p.Ser183Gly).